The following is an entry in ClinVar:

NM_153026.3(PRICKLE1):c.838T>G (p.Ser280Ala)

Genes: PRICKLE1 (prickle planar cell polarity protein 1; minus strand), LOC126861509 (BRD4-independent group 4 enhancer GRCh37_chr12:42858567-42859766; plus strand). Cytogenetic location: 12q12.
Variant type: single nucleotide variant.
Coding change: c.838T>G on transcript NM_153026.3 (MANE Select); coding-DNA position 838, T replaced by G.
Protein change: p.Ser280Ala; replaces serine 280 with alanine.
Molecular consequence: missense variant.
Genome position (GRCh38, 1-based): chr12:42,465,196, A>C on the plus strand (T>G on the coding strand, the complement: PRICKLE1 is on the minus strand). VCF-style: chr12-42465196-A-C. GRCh37 (hg19) VCF-style: chr12-42858998-A-C.
Other names: c.838T>G, p.Ser280Ala (NM_001144881.2, NM_001144882.2, NM_001144883.2); short protein forms S280A.
Identifiers: ClinVar variation 1994110 (VCV001994110.4), dbSNP rs2503420531, ClinGen allele CA384443042.
Genomic context (GRCh38, chr12:42,465,196, plus strand): 5'-TCTGACCCTGTTTGGGAAGGAAGGGACATCCCAACAAAGAGGCTTTACACTGGGCACAAG[A>C]AAAGCAGGCTTCCGTGGCGTGCCAGTGCTGCCCGTCATAGGTCATCTGTGCATGGTCCAC-3'
Protein context (NP_694571.2, residues 270-290): QHWHATEACF[Ser280Ala]CAQCKASLLG

ClinVar aggregate classification (germline): Uncertain significance (1 of 4 stars; one submission).

Conditions:
Epilepsy, progressive myoclonic, 1B. Also called: PME. Identifiers: Orphanet 308, MedGen C2676254, MONDO:0012904, OMIM 612437.

Submission:

Labcorp Genetics (formerly Invitae), Labcorp
Classification: Uncertain significance for Epilepsy, progressive myoclonic, 1B. Last evaluated: 2022-06-27. Review status: criteria provided, single submitter. Criteria: Invitae Variant Classification Sherloc (09022015). Collection method: clinical testing. Allele origin: germline.
Comment: In summary, the available evidence is currently insufficient to determine the role of this variant in disease. Therefore, it has been classified as a Variant of Uncertain Significance. Algorithms developed to predict the effect of missense changes on protein structure and function are either unavailable or do not agree on the potential impact of this missense change (SIFT: "Deleterious"; PolyPhen-2: "Benign"; Align-GVGD: "Class C0"). This variant has not been reported in the literature in individuals affected with PRICKLE1-related conditions. This variant is not present in population databases (gnomAD no frequency). This sequence change replaces serine, which is neutral and polar, with alanine, which is neutral and non-polar, at codon 280 of the PRICKLE1 protein (p.Ser280Ala).